The following is an entry in ClinVar:

NM_001854.4(COL11A1):c.5238T>G (p.Asn1746Lys)

Genes: COL11A1 (collagen type XI alpha 1 chain; minus strand), LOC126805814 (P300/CBP strongly-dependent group 1 enhancer GRCh37_chr1:103344928-103346127; plus strand). Cytogenetic location: 1p21.1.
Variant type: single nucleotide variant.
Coding change: c.5238T>G on transcript NM_001854.4 (MANE Select); coding-DNA position 5238, T replaced by G.
Protein change: p.Asn1746Lys; replaces asparagine 1746 with lysine.
Molecular consequence: missense variant. On other transcripts: non-coding transcript variant (1).
Genome position (GRCh38, 1-based): chr1:102,879,719, A>C on the plus strand (T>G on the coding strand, the complement: COL11A1 is on the minus strand). VCF-style: chr1-102879719-A-C. GRCh37 (hg19) VCF-style: chr1-103345275-A-C.
Other names: c.5121T>G, p.Asn1707Lys (NM_001190709.2); c.5274T>G, p.Asn1758Lys (NM_080629.3); c.4890T>G, p.Asn1630Lys (NM_080630.4); short protein forms N1746K, N1630K, N1758K, N1707K.
Identifiers: ClinVar variation 1490963 (VCV001490963.8), dbSNP rs2101006723, ClinGen allele CA341210802.

ClinVar aggregate classification (germline): Uncertain significance (1 of 4 stars; one submission).

Submission:

Labcorp Genetics (formerly Invitae), Labcorp
Classification: Uncertain significance. Last evaluated: 2021-07-16. Review status: criteria provided, single submitter. Criteria: Invitae Variant Classification Sherloc (09022015). Collection method: clinical testing. Allele origin: germline.
Comment: In summary, the available evidence is currently insufficient to determine the role of this variant in disease. Therefore, it has been classified as a Variant of Uncertain Significance. Advanced modeling of protein sequence and biophysical properties (such as structural, functional, and spatial information, amino acid conservation, physicochemical variation, residue mobility, and thermodynamic stability) performed at Invitae indicates that this missense variant is not expected to disrupt COL11A1 protein function. This variant has not been reported in the literature in individuals affected with COL11A1-related conditions. This variant is not present in population databases (ExAC no frequency). This sequence change replaces asparagine with lysine at codon 1746 of the COL11A1 protein (p.Asn1746Lys). The asparagine residue is highly conserved and there is a moderate physicochemical difference between asparagine and lysine.